The following is an entry in ClinVar:

NM_001458.5(FLNC):c.6791_6796dup (p.Glu2265_Ile2266insThrGlu)

Genes: FLNC (filamin C; plus strand), FLNC-AS1 (FLNC antisense RNA 1; minus strand). Cytogenetic location: 7q32.1.
Variant type: Duplication.
Coding change: c.6791_6796dup on transcript NM_001458.5 (MANE Select); coding-DNA positions 6791 to 6796, 6 bases duplicated (CAGAGA; older notation c.6791_6796dupCAGAGA).
Protein change: p.Glu2265_Ile2266insThrGlu.
Molecular consequence: inframe insertion. On other transcripts: inframe indel (1).
Genome position (GRCh38, 1-based): chr7:128,854,476-128,854,481, CAGAGA duplicated. VCF-style (leftmost placement, unchanged base first): chr7-128854475-G-GCAGAGA. GRCh37 (hg19) VCF-style: chr7-128494529-G-GCAGAGA.
Other names: c.6692_6697dup, p.Glu2232_Ile2233insThrGlu (NM_001127487.2); c.6791_6796dupCAGAGA (NM_001458.4).
Identifiers: ClinVar variation 1755456 (VCV001755456.4), dbSNP rs2536664963, ClinGen allele CA2580076525.
Genomic context (GRCh38, chr7:128,854,475, plus strand): 5'-GAGGCCAGCTCTCAGGACATGACTGCACAGGTGACCAGCCCATCGGGCAAGGTGGAAGCC[G>GCAGAGA]CAGAGATCGTCGAGGGCGAGGACAGCGCCTACAGCGTGCGCTTTGTGCCCCAGGAAATGG-3'

ClinVar aggregate classification (germline): Uncertain significance. Review status: criteria provided, multiple submitters, no conflicts (2 of 4 stars). 2 submissions from 2 submitters: Uncertain significance (2). Last evaluated 2024-03-13.

Conditions:
Hypertrophic cardiomyopathy 26. Also called: Cardiomyopathy, familial hypertrophic, 26. Identifiers: Orphanet 75249, MedGen C4310749, MONDO:0014883, OMIM 617047.
Distal myopathy with posterior leg and anterior hand involvement. Also called: WILLIAMS DISTAL MYOPATHY. Identifiers: Orphanet 63273, MedGen C3279722, MONDO:0013550, OMIM 614065.
Myofibrillar myopathy 5. Also called: Filaminopathy (type); FILAMINOPATHY, AUTOSOMAL DOMINANT. Identifiers: Orphanet 171445, MedGen C1836050, MONDO:0012289, OMIM 609524.
Cardiovascular phenotype. Identifiers: MedGen CN230736.

Allele frequency attached by ClinVar (database versions not stated): gnomAD exomes below 0.00001.

Submissions (2):

Labcorp Genetics (formerly Invitae), Labcorp
Classification: Uncertain significance for Distal myopathy with posterior leg and anterior hand involvement; Myofibrillar myopathy 5; Hypertrophic cardiomyopathy 26. Last evaluated: 2024-03-13. Review status: criteria provided, single submitter. Criteria: Invitae Variant Classification Sherloc (09022015). Collection method: clinical testing. Allele origin: germline.
Comment: This variant, c.6791_6796dup, results in the insertion of 2 amino acid(s) of the FLNC protein (p.Glu2265_Ile2266insThrGlu), but otherwise preserves the integrity of the reading frame. This variant is not present in population databases (gnomAD no frequency). This variant has not been reported in the literature in individuals affected with FLNC-related conditions. ClinVar contains an entry for this variant (Variation ID: 1755456). In summary, the available evidence is currently insufficient to determine the role of this variant in disease. Therefore, it has been classified as a Variant of Uncertain Significance.

Ambry Genetics
Classification: Uncertain significance for Cardiovascular phenotype. Last evaluated: 2020-11-12. Review status: criteria provided, single submitter. Criteria: Ambry Variant Classification Scheme 2023. Collection method: clinical testing. Allele origin: germline.
Comment: The c.6791_6796dupCAGAGA variant (also known as p.E2265_I2266insTE), located in coding exon 41 of the FLNC gene, results from an in-frame duplication of CAGAGA at nucleotide positions 6791 to 6796. This results in the insertion of an extra threonine and glutamic acid between codons 2265 and 2266. This amino acid region is well conserved in available vertebrate species. In addition, this alteration is predicted to be deleterious by in silico analysis (Choi Y et al. PLoS ONE. 2012; 7(10):e46688). Since supporting evidence is limited at this time, the clinical significance of this alteration remains unclear.